The following is an entry in ClinVar:

NM_000143.4(FH):c.907T>A (p.Leu303Met)

Gene: FH (fumarate hydratase; minus strand). Cytogenetic location: 1q43.
Variant type: single nucleotide variant.
Coding change: c.907T>A on transcript NM_000143.4 (MANE Select); coding-DNA position 907, T replaced by A.
Protein change: p.Leu303Met; replaces leucine 303 with methionine.
Molecular consequence: missense variant.
Genome position (GRCh38, 1-based): chr1:241,504,243, A>T on the plus strand (T>A on the coding strand, the complement: FH is on the minus strand). VCF-style: chr1-241504243-A-T. GRCh37 (hg19) VCF-style: chr1-241667543-A-T.
Other names: short protein forms L303M.
Identifiers: ClinVar variation 1765710 (VCV001765710.2), dbSNP rs1057523697, ClinGen allele CA345438432.
Genomic context (GRCh38, chr1:241,504,243, plus strand): 5'-CAACCAGAGCGTCATGAGCAGCCAGAGCTTCAAATTTATTCGGAGCAGTGACAAAAGGCA[A>T]GCCTAAAGAAAAGAAAAATATCCTAGATGGGTGAACAAGTTAAACTAAACATTTTTCTAC-3'
Protein context (NP_000134.2, residues 293-313): VAAKVAALTG[Leu303Met]PFVTAPNKFE

ClinVar aggregate classification (germline): Uncertain significance (1 of 4 stars; one submission).

Conditions:
Hereditary cancer-predisposing syndrome. Also called: Neoplastic Syndromes, Hereditary; Tumor predisposition; Hereditary Cancer Syndrome; Hereditary neoplastic syndrome. Identifiers: Orphanet 140162, MedGen C0027672, MeSH D009386, MONDO:0015356.

Submission:

Ambry Genetics
Classification: Uncertain significance for Hereditary cancer-predisposing syndrome. Last evaluated: 2021-09-13. Review status: criteria provided, single submitter. Criteria: Ambry Variant Classification Scheme 2023. Collection method: clinical testing. Allele origin: germline.
Comment: The p.L303M variant (also known as c.907T>A), located in coding exon 7 of the FH gene, results from a T to A substitution at nucleotide position 907. The leucine at codon 303 is replaced by methionine, an amino acid with highly similar properties. This amino acid position is highly conserved in available vertebrate species. In addition, this alteration is predicted to be deleterious by in silico analysis. Since supporting evidence is limited at this time, the clinical significance of this alteration remains unclear.